The following is an entry in ClinVar:

NM_000059.4(BRCA2):c.4130del (p.Asn1377fs)

Gene: BRCA2 (BRCA2 DNA repair associated; plus strand). Cytogenetic location: 13q13.1.
Variant type: Deletion.
Coding change: c.4130del on transcript NM_000059.4 (MANE Select); coding-DNA position 4130, one base deleted (A; older notation c.4130delA).
Protein change: p.Asn1377fs; shifts the reading frame from asparagine 1377.
Molecular consequence: frameshift variant.
Genome position (GRCh38, 1-based): chr13:32,338,485, A deleted; the last of 3 consecutive A bases (chr13:32,338,483-32,338,485); deleting any one gives the same sequence. VCF-style (leftmost placement, unchanged base first): chr13-32338482-GA-G. GRCh37 (hg19) VCF-style: chr13-32912619-GA-G.
Other names: 4358delA; c.4130delA (NM_000059.3); short protein forms N1377fs.
Identifiers: ClinVar variation 51601 (VCV000051601.7), dbSNP rs80359428, ClinGen allele CA019568.

ClinVar aggregate classification (germline): Pathogenic. Review status: reviewed by expert panel (3 of 4 stars). 4 submissions from 4 submitters: Pathogenic (1). 3 of the submissions do not count toward it. Last evaluated 2016-09-08.

Conditions:
Breast-ovarian cancer, familial, susceptibility to, 2 (BROVCA2). Also called: BRCA2 Hereditary Breast and Ovarian Cancer. Identifiers: Orphanet 145, MedGen C2675520, MONDO:0012933, OMIM 612555. Disease mechanism: loss of function.
Hereditary cancer-predisposing syndrome. Also called: Neoplastic Syndromes, Hereditary; Tumor predisposition; Hereditary Cancer Syndrome; Hereditary neoplastic syndrome. Identifiers: Orphanet 140162, MedGen C0027672, MeSH D009386, MONDO:0015356.

Submissions (4):

Evidence-based Network for the Interpretation of Germline Mutant Alleles (ENIGMA)
Classification: Pathogenic for Breast-ovarian cancer, familial, susceptibility to, 2. Last evaluated: 2016-09-08. Review status: reviewed by expert panel. Criteria: ENIGMA BRCA1/2 Classification Criteria (2015). Collection method: curation. Allele origin: germline.
Comment: Variant allele predicted to encode a truncated non-functional protein.

Ambry Genetics
Classification: Pathogenic for Hereditary cancer-predisposing syndrome. Last evaluated: 2024-01-16. Review status: criteria provided, single submitter. Criteria: Ambry Variant Classification Scheme 2023. Collection method: clinical testing. Allele origin: germline. Not counted in ClinVar's aggregate classification.
Comment: The c.4130delA pathogenic mutation, located in coding exon 10 of the BRCA2 gene, results from a deletion of one nucleotide at nucleotide position 4130, causing a translational frameshift with a predicted alternate stop codon (p.N1377Tfs*11). This alteration is expected to result in loss of function by premature protein truncation or nonsense-mediated mRNA decay. As such, this alteration is interpreted as a disease-causing mutation.

Color Diagnostics, LLC DBA Color Health
Classification: Pathogenic for Hereditary cancer-predisposing syndrome. Last evaluated: 2020-01-15. Review status: criteria provided, single submitter. Criteria: ACMG Guidelines, 2015. Collection method: clinical testing. Allele origin: germline. Not counted in ClinVar's aggregate classification.
Comment: This variant deletes 1 nucleotide in exon 11 of the BRCA2 gene, creating a frameshift and premature translation stop signal. This variant is expected to result in an absent or non-functional protein product. This variant has not been identified in the general population by the Genome Aggregation Database (gnomAD). Loss of BRCA2 function is a known mechanism of disease. Based on the available evidence, this variant is classified as Pathogenic.

Breast Cancer Information Core (BIC) (BRCA2)
Classification: Pathogenic for Breast-ovarian cancer, familial 2. Last evaluated: 2004-02-20. Review status: no assertion criteria provided. Collection method: clinical testing. Allele origin: germline. Affected: yes. Observed: 1 variant allele. Not counted in ClinVar's aggregate classification.